The following is an entry in ClinVar:

NM_001039469.3(MARK2):c.184G>A (p.Gly62Ser)

Gene: MARK2 (microtubule affinity regulating kinase 2; plus strand). Cytogenetic location: 11q13.1.
Variant type: single nucleotide variant.
Coding change: c.184G>A on transcript NM_001039469.3 (MANE Select); coding-DNA position 184, G replaced by A.
Protein change: p.Gly62Ser; replaces glycine 62 with serine.
Molecular consequence: missense variant.
Genome position (GRCh38, 1-based): chr11:63,895,288, G>A. VCF-style: chr11-63895288-G-A. GRCh37 (hg19) VCF-style: chr11-63662760-G-A.
Other names: c.184G>A, p.Gly62Ser (NM_001163296.2, NM_001163297.2, NM_004954.5); c.85G>A, p.Gly29Ser (NM_017490.4); short protein forms G29S, G62S.
Identifiers: ClinVar variation 4070660 (VCV004070660.1).

ClinVar aggregate classification (germline): Uncertain significance (1 of 4 stars; one submission).

Submission:

GeneDx
Classification: Uncertain significance. Last evaluated: 2025-01-16. Review status: criteria provided, single submitter. Criteria: GeneDx Variant Classification Process June 2021. Collection method: clinical testing. Allele origin: germline. Affected: yes.
Comment: Not observed at significant frequency in large population cohorts (gnomAD); In silico analysis supports that this missense variant has a deleterious effect on protein structure/function; Has not been previously published as pathogenic or benign to our knowledge